The following is an entry in ClinVar:

ClinVar aggregate classification (germline): Uncertain significance (1 of 4 stars; one submission).

gnomAD v4.1: 4 of 1,553,786 alleles (0.00026%); highest among the groups gnomAD compares: South Asian, 0.0012%; no homozygotes.

Submission:

Women's Health and Genetics/Laboratory Corporation of America, LabCorp
Classification: Uncertain significance. Last evaluated: 2025-11-18. Review status: criteria provided, single submitter. Criteria: LabCorp Variant Classification Summary - May 2015. Collection method: clinical testing. Allele origin: germline.
Comment: Variant summary: ADAMTS2 c.2993G>A (p.Arg998Gln) results in a conservative amino acid change in the encoded protein sequence. Algorithms developed to predict the effect of missense changes on protein structure and function are either unavailable or do not agree on the potential impact of this missense change. The variant allele was found at a frequency of 6.3e-06 in 159140 control chromosomes. The available data on variant occurrences in the general population are insufficient to allow any conclusion about variant significance. To our knowledge, no occurrence of c.2993G>A in individuals affected with ADAMTS2-related conditions and no experimental evidence demonstrating its impact on protein function have been reported. No submitters have cited clinical-significance assessments for this variant to ClinVar. Based on the evidence outlined above, the variant was classified as uncertain significance.

NM_014244.5(ADAMTS2):c.2993G>A (p.Arg998Gln)

Gene: ADAMTS2 (ADAM metallopeptidase with thrombospondin type 1 motif 2; minus strand). Cytogenetic location: 5q35.3.
Variant type: single nucleotide variant.
Coding change: c.2993G>A on transcript NM_014244.5 (MANE Select); coding-DNA position 2993, G replaced by A.
Protein change: p.Arg998Gln; replaces arginine 998 with glutamine.
Molecular consequence: missense variant.
Genome position (GRCh38, 1-based): chr5:179,122,739, C>T on the plus strand (G>A on the coding strand, the complement: ADAMTS2 is on the minus strand). VCF-style: chr5-179122739-C-T. GRCh37 (hg19) VCF-style: chr5-178549740-C-T.
Other names: short protein forms R998Q.
Identifiers: ClinVar variation 4537337 (VCV004537337.1).